The following is an entry in ClinVar:

ClinVar aggregate classification (germline): Likely pathogenic (1 of 4 stars; one submission).

Conditions:
Glycogen storage disease type III (GSD3). Also called: FORBES DISEASE; Cori disease. Identifiers: Orphanet 366, MedGen C0017922, MONDO:0009291, OMIM 232400.

Submission:

Myriad Genetics, Inc.
Classification: Likely pathogenic for Glycogen storage disease type III. Last evaluated: 2022-03-05. Review status: criteria provided, single submitter. Criteria: Myriad Women's Health Autosomal Recessive and X-Linked Classification Criteria (2021). Collection method: clinical testing. Allele origin: unknown.
Comment: NM_000642.2(AGL):c.2724_2725delTT(Y909Pfs*3) is expected to be pathogenic in the context of glycogen storage disease type III. This variant is predicted to lead to an abnormal or absent protein product due to the creation of a premature termination codon in AGL, a gene where loss-of-function variants are known to be pathogenic. Please note: this variant was assessed in the context of healthy population screening.

NM_000642.3(AGL):c.2724_2725del (p.Tyr909fs)

Gene: AGL (amylo-alpha-1,6-glucosidase and 4-alpha-glucanotransferase; plus strand). Cytogenetic location: 1p21.2.
Variant type: Deletion.
Coding change: c.2724_2725del on transcript NM_000642.3 (MANE Select); coding-DNA positions 2724 to 2725, 2 bases deleted (TT; older notation c.2724_2725delTT).
Protein change: p.Tyr909fs; shifts the reading frame from tyrosine 909.
Molecular consequence: frameshift variant.
Genome position (GRCh38, 1-based): chr1:99,888,020-99,888,021, TT deleted; deleting any 2 consecutive bases within chr1:99,888,019-99,888,021 gives the same sequence; the c. name uses the placement nearest the transcript's 3' end. VCF-style (leftmost placement, unchanged base first): chr1-99888018-CTT-C. GRCh37 (hg19) VCF-style: chr1-100353574-CTT-C.
Other names: c.2724_2725delTT, p.Tyr909Profs (NM_000028.3, NM_000643.3, NM_000644.3 and 2 more transcripts); c.2676_2677delTT, p.Tyr893Profs (NM_000646.3); c.2523_2524delTT, p.Tyr842Profs (NM_001425327.1); c.2520_2521delTT, p.Tyr841Profs (NM_001425328.1); c.2385_2386delTT, p.Tyr796Profs (NM_001425329.1); c.2346_2347delTT, p.Tyr783Profs (NM_001425332.1); short protein forms Y893fs, Y909fs.
Identifiers: ClinVar variation 1725039 (VCV001725039.2), dbSNP rs2524699538, ClinGen allele CA2580063451.